The following is an entry in ClinVar:

ClinVar aggregate classification (germline): Uncertain significance (1 of 4 stars; one submission).

Conditions:
Hyper-IgE recurrent infection syndrome 1, autosomal dominant. Also called: HYPER-IgE SYNDROME 1, AUTOSOMAL DOMINANT, WITH RECURRENT INFECTIONS; JOB SYNDROME; Job's Syndrome; STAT3 Hyper IgE Syndrome; Hyper-IgE recurrent infection syndrome 1. Identifiers: Orphanet 2314, MedGen C2936739, MONDO:0007818, OMIM 147060.
STAT3 gain of function. Identifiers: MedGen C4288261.

Submission:

Labcorp Genetics (formerly Invitae), Labcorp
Classification: Uncertain significance for STAT3 gain of function; Hyper-IgE recurrent infection syndrome 1, autosomal dominant. Last evaluated: 2023-05-20. Review status: criteria provided, single submitter. Criteria: Invitae Variant Classification Sherloc (09022015). Collection method: clinical testing. Allele origin: unknown.
Comment: This variant is a gross deletion of the genomic region encompassing exon(s) 15-21 of the STAT3 gene. This deletion is out-of-frame, and is expected to create a premature translational stop signal and result in an absent or disrupted protein product. However, the current clinical and genetic evidence is not sufficient to establish whether loss-of-function variants in STAT3 cause disease. This variant has not been reported in the literature in individuals affected with STAT3-related conditions. In summary, the available evidence is currently insufficient to determine the role of this variant in disease. Therefore, it has been classified as a Variant of Uncertain Significance.

NC_000017.10:g.(?_40474280)_(40478306_?)del

Gene: STAT3 (signal transducer and activator of transcription 3; minus strand). Cytogenetic location: 17q21.2.
Variant type: Deletion.
Identifiers: ClinVar variation 3243106 (VCV003243106.1).